The following is an entry in ClinVar:

NM_022051.3(EGLN1):c.559C>T (p.Pro187Ser)

Gene: EGLN1 (egl-9 family hypoxia inducible factor 1; minus strand). Cytogenetic location: 1q42.2.
Variant type: single nucleotide variant.
Coding change: c.559C>T on transcript NM_022051.3 (MANE Select); coding-DNA position 559, C replaced by T.
Protein change: p.Pro187Ser; replaces proline 187 with serine.
Molecular consequence: missense variant.
Genome position (GRCh38, 1-based): chr1:231,421,330, G>A on the plus strand (C>T on the coding strand, the complement: EGLN1 is on the minus strand). VCF-style: chr1-231421330-G-A. GRCh37 (hg19) VCF-style: chr1-231557076-G-A.
Other names: c.559C>T, p.Pro187Ser (NM_001377260.1, NM_001377261.1); short protein forms P187S.
Identifiers: ClinVar variation 3507224 (VCV003507224.1).
Genomic context (GRCh38, chr1:231,421,330, plus strand): 5'-TGCCGTGCTTGTTCATGCACGGCACGATGTACTCGAGCGCCAGCTTCAGCGCCGGCAGGG[G>A]CTTCGTCTGCCCGTTGGGCCGCAGGCCGCCGCCGGGGCTCAGCGCATCCCCGGGCGTGTT-3'
Protein context (NP_071334.1, residues 177-197): GGLRPNGQTK[Pro187Ser]LPALKLALEY

ClinVar aggregate classification (germline): Uncertain significance (1 of 4 stars; one submission).

Submission:

Ambry Genetics
Classification: Uncertain significance. Last evaluated: 2024-09-15. Review status: criteria provided, single submitter. Criteria: Ambry Variant Classification Scheme 2023. Collection method: clinical testing. Allele origin: germline.
Comment: The p.P187S variant (also known as c.559C>T), located in coding exon 1 of the EGLN1 gene, results from a C to T substitution at nucleotide position 559. The proline at codon 187 is replaced by serine, an amino acid with similar properties. This amino acid position is conserved. In addition, this alteration is predicted to be tolerated by in silico analysis. Based on the available evidence, the clinical significance of this variant remains unclear.